The following is an entry in ClinVar:

NM_021098.3(CACNA1H):c.3656G>T (p.Gly1219Val)

Gene: CACNA1H (calcium voltage-gated channel subunit alpha1 H; plus strand). Cytogenetic location: 16p13.3.
Variant type: single nucleotide variant.
Coding change: c.3656G>T on transcript NM_021098.3 (MANE Select); coding-DNA position 3656, G replaced by T.
Protein change: p.Gly1219Val; replaces glycine 1219 with valine.
Molecular consequence: missense variant.
Genome position (GRCh38, 1-based): chr16:1,209,324, G>T. VCF-style: chr16-1209324-G-T. GRCh37 (hg19) VCF-style: chr16-1259324-G-T.
Other names: c.3656G>T, p.Gly1219Val (NM_001005407.2); short protein forms G1219V.
Identifiers: ClinVar variation 2936300 (VCV002936300.3), dbSNP rs2548691667, ClinGen allele CA394174302.

ClinVar aggregate classification (germline): Uncertain significance (1 of 4 stars; one submission).

Conditions:
Idiopathic generalized epilepsy. Also called: EIG; Generalised epilepsy. Identifiers: MedGen C0270850, MONDO:0005579, OMIM 600669.
Hyperaldosteronism, familial, type IV (HALD4). Also called: FH IV; ALDOSTERONISM, PRIMARY, AND HYPERTENSION. Identifiers: Orphanet 642671, MedGen C4310756, MONDO:0014875, OMIM 617027.

Submission:

Labcorp Genetics (formerly Invitae), Labcorp
Classification: Uncertain significance for Idiopathic generalized epilepsy; Hyperaldosteronism, familial, type IV. Last evaluated: 2023-01-24. Review status: criteria provided, single submitter. Criteria: Invitae Variant Classification Sherloc (09022015). Collection method: clinical testing. Allele origin: germline.
Comment: This variant is not present in population databases (gnomAD no frequency). In summary, the available evidence is currently insufficient to determine the role of this variant in disease. Therefore, it has been classified as a Variant of Uncertain Significance. Algorithms developed to predict the effect of missense changes on protein structure and function (SIFT, PolyPhen-2, Align-GVGD) all suggest that this variant is likely to be disruptive. This variant has not been reported in the literature in individuals affected with CACNA1H-related conditions. This sequence change replaces glycine, which is neutral and non-polar, with valine, which is neutral and non-polar, at codon 1219 of the CACNA1H protein (p.Gly1219Val).